The following is an entry in ClinVar:

NM_005228.5(EGFR):c.366A>C (p.Leu122Phe)

Gene: EGFR (epidermal growth factor receptor; plus strand). Cytogenetic location: 7p11.2.
Variant type: single nucleotide variant.
Coding change: c.366A>C on transcript NM_005228.5 (MANE Select); coding-DNA position 366, A replaced by C.
Protein change: p.Leu122Phe; replaces leucine 122 with phenylalanine.
Molecular consequence: missense variant. On other transcripts: intron variant (1).
Genome position (GRCh38, 1-based): chr7:55,143,430, A>C. VCF-style: chr7-55143430-A-C. GRCh37 (hg19) VCF-style: chr7-55211123-A-C.
Other names: c.366A>C, p.Leu122Phe (NM_001346897.2, NM_001346898.2, NM_001346899.2 and 3 more transcripts); c.207A>C, p.Leu69Phe (NM_001346900.2); c.89-12400A>C (NM_001346941.2); short protein forms L122F, L69F.
Identifiers: ClinVar variation 2855431 (VCV002855431.3), dbSNP rs2128927458, ClinGen allele CA367575887.

ClinVar aggregate classification (germline): Uncertain significance (1 of 4 stars; one submission).

Conditions:
EGFR-related lung cancer (EGFR). Identifiers: MedGen CN130014.

Submission:

Labcorp Genetics (formerly Invitae), Labcorp
Classification: Uncertain significance for EGFR-related lung cancer. Last evaluated: 2023-04-12. Review status: criteria provided, single submitter. Criteria: Invitae Variant Classification Sherloc (09022015). Collection method: clinical testing. Allele origin: germline.
Comment: In summary, the available evidence is currently insufficient to determine the role of this variant in disease. Therefore, it has been classified as a Variant of Uncertain Significance. An algorithm developed to predict the effect of missense changes on protein structure and function (PolyPhen-2) suggests that this variant is likely to be disruptive. This variant has not been reported in the literature in individuals affected with EGFR-related conditions. This variant is not present in population databases (gnomAD no frequency). This sequence change replaces leucine, which is neutral and non-polar, with phenylalanine, which is neutral and non-polar, at codon 122 of the EGFR protein (p.Leu122Phe).